The following is an entry in ClinVar:

NM_000135.4(FANCA):c.1499C>T (p.Pro500Leu)

Gene: FANCA (FA complementation group A; minus strand). Cytogenetic location: 16q24.3.
Variant type: single nucleotide variant.
Coding change: c.1499C>T on transcript NM_000135.4 (MANE Select); coding-DNA position 1499, C replaced by T.
Protein change: p.Pro500Leu; replaces proline 500 with leucine.
Molecular consequence: missense variant.
Genome position (GRCh38, 1-based): chr16:89,783,074, G>A on the plus strand (C>T on the coding strand, the complement: FANCA is on the minus strand). VCF-style: chr16-89783074-G-A. GRCh37 (hg19) VCF-style: chr16-89849482-G-A.
Other names: c.1499C>T, p.Pro500Leu (NM_001286167.3); short protein forms P500L.
Identifiers: ClinVar variation 3512682 (VCV003512682.1).
Genomic context (GRCh38, chr16:89,783,074, plus strand): 5'-TCGGCCAGCCGTGTCTTGGCCAATGAGATGTAGTCTGTGAGGAGGGAGCGGTACTTGCCG[G>A]GAACCAGGGGTGGGTGGAGAATGTGCACCTGAGGATAGATAGCAGAGCGCAGCACCGTTA-3'
Protein context (NP_000126.2, residues 490-510): QVHILHPPLV[Pro500Leu]GKYRSLLTDY

ClinVar aggregate classification (germline): Uncertain significance (1 of 4 stars; one submission).

Conditions:
Inborn genetic diseases. Identifiers: MedGen C0950123, MeSH D030342.

gnomAD v4.1: 5 of 1,613,860 alleles (0.00031%); highest among the groups gnomAD compares: South Asian, 0.0011%; no homozygotes.

Submission:

Ambry Genetics
Classification: Uncertain significance for Inborn genetic diseases. Last evaluated: 2024-11-27. Review status: criteria provided, single submitter. Criteria: Ambry Variant Classification Scheme 2023. Collection method: clinical testing. Allele origin: germline.
Comment: The p.P500L variant (also known as c.1499C>T), located in coding exon 16 of the FANCA gene, results from a C to T substitution at nucleotide position 1499. The proline at codon 500 is replaced by leucine, an amino acid with similar properties. This amino acid position is conserved. In addition, this alteration is predicted to be deleterious by in silico analysis. Based on the available evidence, the clinical significance of this variant remains unclear.